The following is an entry in ClinVar:

NM_018124.4(RFWD3):c.1868A>G (p.Asp623Gly)

Gene: RFWD3 (ring finger and WD repeat domain 3; minus strand). Cytogenetic location: 16q23.1.
Variant type: single nucleotide variant.
Coding change: c.1868A>G on transcript NM_018124.4 (MANE Select); coding-DNA position 1868, A replaced by G.
Protein change: p.Asp623Gly; replaces aspartic acid 623 with glycine.
Molecular consequence: missense variant.
Genome position (GRCh38, 1-based): chr16:74,628,553, T>C on the plus strand (A>G on the coding strand, the complement: RFWD3 is on the minus strand). VCF-style: chr16-74628553-T-C. GRCh37 (hg19) VCF-style: chr16-74662451-T-C.
Other names: c.1868A>G, p.Asp623Gly (NM_001370534.1, NM_001370535.1); c.1691A>G, p.Asp564Gly (NM_001370536.1); c.1034A>G, p.Asp345Gly (NM_001370537.1, NM_001370539.1, NM_001370540.1 and 3 more transcripts); short protein forms D623G, D345G, D564G.
Identifiers: ClinVar variation 2009200 (VCV002009200.4), dbSNP rs993223067, ClinGen allele CA283741010.
Genomic context (GRCh38, chr16:74,628,553, plus strand): 5'-GTCTGAAAGTCTATGCAGCCCCCTGGCTCCAAGGGCAGCACATGAGGCCAATGAGAAAAG[T>C]CCATTTTCTGTTCCCAGAATGAAGCATCCTCCAAGGTTCCAGCCAGCACCCCACCATATG-3'
Protein context (NP_060594.3, residues 613-633): EDASFWEQKM[Asp623Gly]FSHWPHVLPL

ClinVar aggregate classification (germline): Uncertain significance (1 of 4 stars; one submission).

Allele frequency attached by ClinVar (database versions not stated): gnomAD exomes below 0.00001.
gnomAD v4.1: 3 of 1,614,100 alleles (0.00019%); highest among the groups gnomAD compares: Non-Finnish European, 0.00017%; no homozygotes.

Submission:

Labcorp Genetics (formerly Invitae), Labcorp
Classification: Uncertain significance. Last evaluated: 2025-07-08. Review status: criteria provided, single submitter. Criteria: Invitae Variant Classification Sherloc (09022015). Collection method: clinical testing. Allele origin: germline.
Comment: This sequence change replaces aspartic acid, which is acidic and polar, with glycine, which is neutral and non-polar, at codon 623 of the RFWD3 protein (p.Asp623Gly). This variant is not present in population databases (gnomAD no frequency). This variant has not been reported in the literature in individuals affected with RFWD3-related conditions. ClinVar contains an entry for this variant (Variation ID: 2009200). An algorithm developed to predict the effect of missense changes on protein structure and function outputs the following: PolyPhen-2: "Benign". The glycine amino acid residue is found in multiple mammalian species, which suggests that this missense change does not adversely affect protein function. In summary, the available evidence is currently insufficient to determine the role of this variant in disease. Therefore, it has been classified as a Variant of Uncertain Significance.